The following is an entry in ClinVar:

NM_000186.4(CFH):c.3007G>T (p.Glu1003Ter)

Gene: CFH (complement factor H; plus strand). Cytogenetic location: 1q31.3.
Variant type: single nucleotide variant.
Coding change: c.3007G>T on transcript NM_000186.4 (MANE Select); coding-DNA position 3007, G replaced by T.
Protein change: p.Glu1003Ter; replaces glutamic acid 1003 with a stop codon.
Molecular consequence: nonsense.
Genome position (GRCh38, 1-based): chr1:196,741,925, G>T. VCF-style: chr1-196741925-G-T. GRCh37 (hg19) VCF-style: chr1-196711055-G-T.
Other names: short protein forms E1003*.
Identifiers: ClinVar variation 4849208 (VCV004849208.1).
Genomic context (GRCh38, chr1:196,741,925, plus strand): 5'-CCTATTTCAGAAACAGATTGTCTCAGTTTACCTAGCTTTGAAAATGCCATACCCATGGGA[G>T]AGAAGAAGGATGTGTATAAGGCGGGTGAGCAAGTGACTTACACTTGTGCAACATATTACA-3'

ClinVar aggregate classification (germline): Pathogenic (1 of 4 stars; one submission).

Conditions:
Hemolytic uremic syndrome, atypical, susceptibility to, 1. Also called: AHUS, SUSCEPTIBILITY TO, 1. Identifiers: Orphanet 2134, Orphanet 90038, MedGen C2749604, MONDO:0009335, OMIM 235400. Disease mechanism: Other.

Submission:

MVZ Medizinische Genetik Mainz
Classification: Pathogenic for Hemolytic uremic syndrome, atypical, susceptibility to, 1. Last evaluated: 2026-04-01. Review status: criteria provided, single submitter. Criteria: UK Practice Guidelines For Variant Classification V4 01 2020. Collection method: clinical testing. Allele origin: germline. Inheritance: Autosomal dominant inheritance. Affected: yes. Observed: 1 variant allele.
Comment: ACMG Criteria: PVS1,PM2_SUP,PP4